The following is an entry in ClinVar:

NM_004519.4(KCNQ3):c.1429C>T (p.Arg477Cys)

Gene: KCNQ3 (potassium voltage-gated channel subfamily Q member 3; minus strand). Cytogenetic location: 8q24.22.
Variant type: single nucleotide variant.
Coding change: c.1429C>T on transcript NM_004519.4 (MANE Select); coding-DNA position 1429, C replaced by T.
Protein change: p.Arg477Cys; replaces arginine 477 with cysteine.
Molecular consequence: missense variant.
Genome position (GRCh38, 1-based): chr8:132,141,165, G>A on the plus strand (C>T on the coding strand, the complement: KCNQ3 is on the minus strand). VCF-style: chr8-132141165-G-A. GRCh37 (hg19) VCF-style: chr8-133153412-G-A.
Other names: c.1069C>T, p.Arg357Cys (NM_001204824.2); short protein forms R477C, R357C.
Identifiers: ClinVar variation 1976246 (VCV001976246.5), dbSNP rs374854556, ClinGen allele CA185432819.

ClinVar aggregate classification (germline): Uncertain significance (1 of 4 stars; one submission).

Conditions:
Benign neonatal seizures. Also called: Convulsions benign familial neonatal dominant form; Autosomal dominant form of benign neonatal seizures; Benign familial neonatal epilepsy; Benign familial neonatal seizures; Benign neonatal familial convulsions. Identifiers: Orphanet 1949, MedGen C0220669, MONDO:0016027.

Allele frequency attached by ClinVar (database versions not stated): TOPMed 0.00001; gnomAD 0.00002; gnomAD exomes below 0.00001; ESP Exome Variant Server 0.00008.
gnomAD v4.1: 7 of 1,614,064 alleles (0.00043%); highest among the groups gnomAD compares: African/African-American, 0.004%; no homozygotes.

Submission:

Labcorp Genetics (formerly Invitae), Labcorp
Classification: Uncertain significance for Benign neonatal seizures. Last evaluated: 2025-09-10. Review status: criteria provided, single submitter. Criteria: Invitae Variant Classification Sherloc (09022015). Collection method: clinical testing. Allele origin: germline.
Comment: This sequence change replaces arginine, which is basic and polar, with cysteine, which is neutral and slightly polar, at codon 477 of the KCNQ3 protein (p.Arg477Cys). This variant is present in population databases (rs374854556, gnomAD 0.01%). This variant has not been reported in the literature in individuals affected with KCNQ3-related conditions. ClinVar contains an entry for this variant (Variation ID: 1976246). Invitae Evidence Modeling of protein sequence and biophysical properties (such as structural, functional, and spatial information, amino acid conservation, physicochemical variation, residue mobility, and thermodynamic stability) indicates that this missense variant is not expected to disrupt KCNQ3 protein function with a negative predictive value of 80%. In summary, the available evidence is currently insufficient to determine the role of this variant in disease. Therefore, it has been classified as a Variant of Uncertain Significance.